The following is an entry in ClinVar:

NM_138713.4(NFAT5):c.692A>G (p.Lys231Arg)

Gene: NFAT5 (nuclear factor of activated T cells 5; plus strand). Cytogenetic location: 16q22.1.
Variant type: single nucleotide variant.
Coding change: c.692A>G on transcript NM_138713.4 (MANE Select); coding-DNA position 692, A replaced by G.
Protein change: p.Lys231Arg; replaces lysine 231 with arginine.
Molecular consequence: missense variant. On other transcripts: intron variant (1).
Genome position (GRCh38, 1-based): chr16:69,647,466, A>G. VCF-style: chr16-69647466-A-G. GRCh37 (hg19) VCF-style: chr16-69681369-A-G.
Other names: c.692A>G, p.Lys231Arg (NM_001113178.3); c.638A>G, p.Lys213Arg (NM_006599.4); c.410A>G, p.Lys137Arg (NM_138714.4, NM_173214.3, NM_173215.3); c.140+299A>G (NM_001367709.1); short protein forms K137R, K213R, K231R.
Identifiers: ClinVar variation 999303 (VCV000999303.8), dbSNP rs1170182479, ClinGen allele CA396486499.

ClinVar aggregate classification (germline): Uncertain significance (1 of 4 stars; one submission).

Conditions:
Immunodeficiency. Identifiers: MedGen C0021051, MONDO:0021094, HP:0002721.

Allele frequency attached by ClinVar (database versions not stated): gnomAD exomes below 0.00001; gnomAD 0.00001; TOPMed 0.00001.
gnomAD v4.1: 4 of 1,613,826 alleles (0.00025%); highest among the groups gnomAD compares: South Asian, 0.0022%; no homozygotes.

Submission:

Labcorp Genetics (formerly Invitae), Labcorp
Classification: Uncertain significance for Immunodeficiency. Last evaluated: 2023-08-16. Review status: criteria provided, single submitter. Criteria: Invitae Variant Classification Sherloc (09022015). Collection method: clinical testing. Allele origin: germline.
Comment: In summary, the available evidence is currently insufficient to determine the role of this variant in disease. Therefore, it has been classified as a Variant of Uncertain Significance. An algorithm developed to predict the effect of missense changes on protein structure and function (PolyPhen-2) suggests that this variant is likely to be disruptive. ClinVar contains an entry for this variant (Variation ID: 999303). This variant has not been reported in the literature in individuals affected with NFAT5-related conditions. This variant is present in population databases (no rsID available, gnomAD 0.007%). This sequence change replaces lysine, which is basic and polar, with arginine, which is basic and polar, at codon 137 of the NFAT5 protein (p.Lys137Arg).